The following is an entry in ClinVar:

ClinVar aggregate classification (germline): Pathogenic (1 of 4 stars; one submission).

Conditions:
Peroxisome biogenesis disorder. Identifiers: Orphanet 79189, MedGen C1832200, MONDO:0019234. Disease mechanism: loss of function.

Submission:

Labcorp Genetics (formerly Invitae), Labcorp
Classification: Pathogenic for Peroxisome biogenesis disorder. Last evaluated: 2022-09-01. Review status: criteria provided, single submitter. Criteria: Invitae Variant Classification Sherloc (09022015). Collection method: clinical testing. Allele origin: germline.
Comment: This sequence change creates a premature translational stop signal (p.Gln219Argfs*27) in the PEX6 gene. It is expected to result in an absent or disrupted protein product. Loss-of-function variants in PEX6 are known to be pathogenic (PMID: 8670792, 19877282, 21031596). For these reasons, this variant has been classified as Pathogenic. This premature translational stop signal has been observed in individual(s) with PEX6-related conditions (PMID: 19877282). This variant is not present in population databases (gnomAD no frequency).

Literature cited by the submitters: PubMed 8670792; PubMed 19877282; PubMed 21031596.

NM_000287.4(PEX6):c.655del (p.Gln219fs)

Gene: PEX6 (peroxisomal biogenesis factor 6; minus strand). Cytogenetic location: 6p21.1.
Variant type: Deletion.
Coding change: c.655del on transcript NM_000287.4 (MANE Select); coding-DNA position 655, one base deleted (C; older notation c.655delC).
Protein change: p.Gln219fs; shifts the reading frame from glutamine 219.
Molecular consequence: frameshift variant. On other transcripts: non-coding transcript variant (1), intron variant (1).
Genome position (GRCh38, 1-based): chr6:42,978,496, G deleted on the plus strand (C on the coding strand, the reverse complement: PEX6 is on the minus strand); the first of 2 consecutive G bases (chr6:42,978,496-42,978,497); deleting either gives the same sequence. VCF-style (leftmost placement, unchanged base first): chr6-42978495-TG-T. GRCh37 (hg19) VCF-style: chr6-42946233-TG-T.
Other names: c.618+37del (NM_001316313.2); short protein forms Q219fs.
Identifiers: ClinVar variation 2130715 (VCV002130715.4), dbSNP rs2481277530, ClinGen allele CA2580074645.